The following is an entry in ClinVar:

ClinVar aggregate classification (germline): Uncertain significance (1 of 4 stars; one submission).

Conditions:
CFI-related disorder. Also called: CFI-related condition; CFI-related disorders. Identifiers: MedGen CN239325.

Submission:

Genomenon, Inc
Classification: Uncertain significance for CFI-related disorder. Last evaluated: 2025-09-26. Review status: criteria provided, single submitter. Criteria: Genomenon Sequence Variant Interpretation Standards - Updated. Collection method: curation. Allele origin: germline. Affected: yes.
Comment: CFI p.Cys86Tyr (c.257G>A) is a missense variant that changes the amino acid at residue 86 from Cysteine to Tyrosine. This variant has been observed in at least one proband affected with a CFI-related disorder (PMID:32853637;21881555). It is absent or not present at a significant frequency in gnomAD. In silico models agree that this variant is possibly or probably damaging. In conclusion, we classify CFI p.Cys86Tyr (c.257G>A) as a variant of unknown significance.

Literature cited by the submitters: PubMed 32853637; 21881555.

NM_000204.5(CFI):c.257G>A (p.Cys86Tyr)

Gene: CFI (complement factor I; minus strand). Cytogenetic location: 4q25.
Variant type: single nucleotide variant.
Coding change: c.257G>A on transcript NM_000204.5 (MANE Select); coding-DNA position 257, G replaced by A.
Protein change: p.Cys86Tyr; replaces cysteine 86 with tyrosine.
Molecular consequence: missense variant. On other transcripts: non-coding transcript variant (3), intron variant (1).
Genome position (GRCh38, 1-based): chr4:109,766,625, C>T on the plus strand (G>A on the coding strand, the complement: CFI is on the minus strand). VCF-style: chr4-109766625-C-T. GRCh37 (hg19) VCF-style: chr4-110687781-C-T.
Other names: c.257G>A, p.Cys86Tyr (NM_001318057.2, NM_001331035.2, NM_001375278.1 and 10 more transcripts); c.-127-4933G>A (NM_001375284.1); short protein forms C86Y.
Identifiers: ClinVar variation 4280448 (VCV004280448.1).